The following is an entry in ClinVar:

ClinVar aggregate classification (germline): Pathogenic/Likely pathogenic. Review status: criteria provided, multiple submitters, no conflicts (2 of 4 stars). 7 submissions from 7 submitters: Pathogenic (6); Likely pathogenic (1). Last evaluated 2026-05-18.

Conditions:
Hypophosphatasia. Also called: Phosphoethanol-aminuria. Identifiers: Orphanet 436, MedGen C0020630, MeSH D007014, MONDO:0018570.
Adult hypophosphatasia. Identifiers: Orphanet 247676, Orphanet 436, MedGen C0268413, MONDO:1010154, OMIM 146300, MONDO:0007798.

Allele frequency attached by ClinVar (database versions not stated): gnomAD exomes below 0.00001; ExAC 0.00002.
gnomAD v4.1: 3 of 1,614,010 alleles (0.00019%); highest among the groups gnomAD compares: South Asian, 0.0011%; no homozygotes.

Submissions (7):

Myriad Genetics, Inc.
Classification: Likely pathogenic for Hypophosphatasia. Last evaluated: 2026-05-18. Review status: criteria provided, single submitter. Criteria: Myriad Autosomal Dominant, Autosomal Recessive and X-Linked Classification Criteria (2023). Collection method: clinical testing. Allele origin: unknown.
Comment: NM_000478.4(ALPL):c.512A>G(H171R) is a missense variant classified as likely pathogenic in the context of hypophosphatasia. Please note that H171R is associated with autosomal dominant hypophosphatasia. The reproductive risk may be as high as 50%. H171R has been observed in cases with relevant disease (PMID: 32973344, 26783040, 34935951, 30788858). Relevant functional assessments of this variant are available in the literature (PMID: 32160374). H171R has been observed in referenced population frequency databases. In summary, NM_000478.4(ALPL):c.512A>G(H171R) is a missense variant that has been observed more frequently in cases with the relevant disease than in healthy populations. Please note: this variant was assessed in the context of healthy population screening.

Labcorp Genetics (formerly Invitae), Labcorp
Classification: Pathogenic. Last evaluated: 2026-01-28. Review status: criteria provided, single submitter. Criteria: Invitae Variant Classification Sherloc (09022015). Collection method: clinical testing. Allele origin: germline.
Comment: This sequence change replaces histidine, which is basic and polar, with arginine, which is basic and polar, at codon 171 of the ALPL protein (p.His171Arg). This variant is present in population databases (rs778232217, gnomAD 0.007%). This missense change has been observed in individual(s) with hypophosphatasia (PMID: 26783040, 28127875, 32160374). ClinVar contains an entry for this variant (Variation ID: 2202713). Invitae Evidence Modeling of protein sequence and biophysical properties (such as structural, functional, and spatial information, amino acid conservation, physicochemical variation, residue mobility, and thermodynamic stability) indicates that this missense variant is expected to disrupt ALPL protein function with a positive predictive value of 95%. Experimental studies have shown that this missense change affects ALPL function (PMID: 32160374). This variant disrupts the p.His171 amino acid residue in ALPL. Other variant(s) that disrupt this residue have been observed in individuals with ALPL-related conditions (PMID: 10094560), which suggests that this may be a clinically significant amino acid residue. For these reasons, this variant has been classified as Pathogenic.

Genomenon, Inc
Classification: Pathogenic for Hypophosphatasia. Last evaluated: 2025-08-29. Review status: criteria provided, single submitter. Criteria: Genomenon Sequence Variant Interpretation Standards. Collection method: curation. Allele origin: germline. Affected: yes.
Comment: ALPL c.512A>G is a missense variant that changes the amino acid at residue 171 from Histidine to Arginine. This variant has been observed in at least one proband affected with hypophosphatasia (PMID:38884565;32973344;30788858;26783040;30202780). At least one functional study has demonstrated a substantial alteration in protein function relative to the wild-type (PMID:32160374). This variant has also been described as His154Arg in the literature. It is absent or not present at a significant frequency in gnomAD. In silico models agree that this variant is possibly or probably damaging. In conclusion, we classify ALPL p.His171Arg (c.512A>G) as a pathogenic variant.

Natera, Inc.
Classification: Pathogenic for Hypophosphatasia. Last evaluated: 2025-04-01. Review status: criteria provided, single submitter. Criteria: Natera Variant Classification Schema (03/2026). Collection method: clinical testing. Allele origin: germline.
Comment: The c.512A>G variant in ALPL is a missense variant predicted to cause substitution of histidine to arginine at amino acid 171. This variant is rare in the general population with a frequency below the threshold expected for the associated phenotype(s). This variant has been observed in one or more individuals affected with the associated recessive disease, as either homozygous or compound heterozygous with a second variant (PMID: 32973344, 38884565). Functional studies show that this variant may disrupt protein function (PMID: 32160374). Computational prediction algorithms indicate this variant is likely to affect gene or protein function. Given the available evidence, this variant is classified as Pathogenic.

Center for Genomic Medicine, Rigshospitalet, Copenhagen University Hospital
Classification: Pathogenic. Last evaluated: 2025-03-04. Review status: criteria provided, single submitter. Criteria: ACMG Guidelines, 2015. Collection method: clinical testing. Allele origin: germline.

Baylor Genetics
Classification: Pathogenic for Adult hypophosphatasia. Last evaluated: 2023-11-21. Review status: criteria provided, single submitter. Criteria: ACMG Guidelines, 2015. Collection method: clinical testing. Allele origin: unknown.

Women's Health and Genetics/Laboratory Corporation of America, LabCorp
Classification: Pathogenic for Hypophosphatasia. Last evaluated: 2023-07-26. Review status: criteria provided, single submitter. Criteria: LabCorp Variant Classification Summary - May 2015. Collection method: clinical testing. Allele origin: germline.
Comment: Variant summary: ALPL c.512A>G (p.His171Arg) results in a non-conservative amino acid change in the encoded protein sequence. Five of five in-silico tools predict a damaging effect of the variant on protein function. The variant allele was found at a frequency of 8e-06 in 251076 control chromosomes (i.e., 2 heterozygotes; gnomAD v2.1 Exomes dataset). The available data on variant occurrences in the general population are insufficient to allow any conclusion about variant significance. c.512A>G has been reported in the literature in multiple compound heterozygous individuals affected with adult, odonto or infantile onset Hypophosphatasia (e.g., Mornet_2001, Larsen_2018, DelAngel_2020). The variant has also been reported in heterozygous individuals with low APL levels and other features of Hypophosphatasia, such as short stature and osteopenia (e.g, Riancho-Zarrabeitia_2016, Marini_2022, Gurevich_2020) These data indicate that the variant is very likely to be associated with autosomal recessive disease and may also cause autosomal dominant disease, but result in a milder phenotype in heterozygotes. At least one publication reports experimental evidence evaluating an impact on protein function, finding that the variant displays approximately 4% enzymatic activity relative to wild type in vitro (e.g., DelAngel_2020). The following publications have been ascertained in the context of this evaluation (PMID: 32160374, 30788858, 30202780, 34935951, 11395499, 26783040). One submitter has reported clinical-significance assessments for this variant to ClinVar after 2014 and has classified the variant as pathogenic. Based on the evidence outlined above, the variant was classified as pathogenic.

Literature cited by the submitters: PubMed 26783040 (cited by 4 submitters); PubMed 30788858 (cited by 4 submitters); PubMed 32160374 (cited by 6 submitters); PubMed 32973344 (cited by 3 submitters); PubMed 34935951 (cited by 3 submitters); PubMed 28127875 (cited by Labcorp Genetics (formerly Invitae), Labcorp); PubMed 10094560 (cited by Labcorp Genetics (formerly Invitae), Labcorp); PubMed 38884565 (cited by Genomenon, Inc and Natera, Inc.); PubMed 30202780 (cited by Genomenon, Inc and Women's Health and Genetics/Laboratory Corporation of America, LabCorp); PubMed 11395499 (cited by Women's Health and Genetics/Laboratory Corporation of America, LabCorp).

NM_000478.6(ALPL):c.512A>G (p.His171Arg)

Gene: ALPL (alkaline phosphatase, biomineralization associated; plus strand). Cytogenetic location: 1p36.12.
Variant type: single nucleotide variant.
Coding change: c.512A>G on transcript NM_000478.6 (MANE Select); coding-DNA position 512, A replaced by G.
Protein change: p.His171Arg; replaces histidine 171 with arginine.
Molecular consequence: missense variant.
Genome position (GRCh38, 1-based): chr1:21,564,080, A>G. VCF-style: chr1-21564080-A-G. GRCh37 (hg19) VCF-style: chr1-21890573-A-G.
Other names: c.347A>G, p.His116Arg (NM_001127501.4); c.281A>G, p.His94Arg (NM_001177520.3); c.512A>G, p.His171Arg (NM_001369803.2, NM_001369804.2, NM_001369805.2); c.512A>G (NM_000478.5); short protein forms H116R, H171R, H94R.
Identifiers: ClinVar variation 2202713 (VCV002202713.11), dbSNP rs778232217, ClinGen allele CA666518.